The following is an entry in ClinVar:

ClinVar aggregate classification (germline): Conflicting classifications of pathogenicity. Review status: criteria provided, conflicting classifications (1 of 4 stars). 7 submissions from 7 submitters: Uncertain significance (6); Likely benign (1). Last evaluated 2026-07-01.

Conditions:
Cardiovascular phenotype. Identifiers: MedGen CN230736.
FLNC-related disorder. Also called: FLNC-related condition; FLNC-related disorders.
Distal myopathy with posterior leg and anterior hand involvement. Also called: WILLIAMS DISTAL MYOPATHY. Identifiers: Orphanet 63273, MedGen C3279722, MONDO:0013550, OMIM 614065.
Hypertrophic cardiomyopathy 26. Also called: Cardiomyopathy, familial hypertrophic, 26. Identifiers: Orphanet 75249, MedGen C4310749, MONDO:0014883, OMIM 617047.
Myofibrillar myopathy 5. Also called: Filaminopathy (type); FILAMINOPATHY, AUTOSOMAL DOMINANT. Identifiers: Orphanet 171445, MedGen C1836050, MONDO:0012289, OMIM 609524.

Allele frequency attached by ClinVar (database versions not stated): gnomAD 0.00003; ExAC 0.00004; gnomAD exomes 0.00004; TOPMed 0.00006; 1000 Genomes Project 0.00020; 1000 Genomes Project 30x 0.00031.
gnomAD v4.1: 49 of 1,613,706 alleles (0.003%); highest among the groups gnomAD compares: Non-Finnish European, 0.0038%; no homozygotes.

Submissions (7):

CeGaT Center for Human Genetics Tuebingen
Classification: Uncertain significance. Last evaluated: 2026-07-01. Review status: criteria provided, single submitter. Criteria: CeGaT Center For Human Genetics Tuebingen Variant Classification Criteria Version 2. Collection method: clinical testing. Allele origin: germline. Affected: yes. Observed: 1 variant allele.

PreventionGenetics, part of Exact Sciences
Classification: Uncertain significance for FLNC-related condition. Last evaluated: 2026-05-25. Review status: criteria provided, single submitter. Criteria: ACMG Guidelines, 2015. Collection method: clinical testing. Allele origin: germline.
Comment: The FLNC c.4000G>A variant is predicted to result in the amino acid substitution p.Ala1334Thr. To our knowledge, this variant has not been reported in the literature. This variant is reported in 0.0080% of alleles in individuals of European (Non-Finnish) descent in gnomAD. At this time, the clinical significance of this variant is uncertain due to the absence of conclusive functional and genetic evidence.

Labcorp Genetics (formerly Invitae), Labcorp
Classification: Uncertain significance for Distal myopathy with posterior leg and anterior hand involvement; Myofibrillar myopathy 5; Hypertrophic cardiomyopathy 26. Last evaluated: 2026-01-12. Review status: criteria provided, single submitter. Criteria: Invitae Variant Classification Sherloc (09022015). Collection method: clinical testing. Allele origin: germline.
Comment: This sequence change replaces alanine, which is neutral and non-polar, with threonine, which is neutral and polar, at codon 1334 of the FLNC protein (p.Ala1334Thr). This variant is present in population databases (rs556477946, gnomAD 0.007%). This missense change has been observed in individual(s) with clinical features of FLNC-related conditions (internal data). ClinVar contains an entry for this variant (Variation ID: 472055). Invitae Evidence Modeling of protein sequence and biophysical properties (such as structural, functional, and spatial information, amino acid conservation, physicochemical variation, residue mobility, and thermodynamic stability) has been performed for this missense variant. However, the output from this modeling did not meet the statistical confidence thresholds required to predict the impact of this variant on FLNC protein function. In summary, the available evidence is currently insufficient to determine the role of this variant in disease. Therefore, it has been classified as a Variant of Uncertain Significance.

Ambry Genetics
Classification: Uncertain significance for Cardiovascular phenotype. Last evaluated: 2024-08-26. Review status: criteria provided, single submitter. Criteria: Ambry Variant Classification Scheme 2023. Collection method: clinical testing. Allele origin: germline.
Comment: The p.A1334T variant (also known as c.4000G>A), located in coding exon 23 of the FLNC gene, results from a G to A substitution at nucleotide position 4000. The alanine at codon 1334 is replaced by threonine, an amino acid with similar properties. This amino acid position is not well conserved in available vertebrate species. In addition, this alteration is predicted to be tolerated by in silico analysis. Based on the available evidence, the clinical significance of this variant remains unclear.

Revvity Omics, Revvity
Classification: Uncertain significance. Last evaluated: 2023-10-26. Review status: criteria provided, single submitter. Criteria: ACMG Guidelines, 2015. Collection method: clinical testing. Allele origin: germline.

Fulgent Genetics
Classification: Uncertain significance for Myofibrillar myopathy 5; Distal myopathy with posterior leg and anterior hand involvement; Hypertrophic cardiomyopathy 26. Last evaluated: 2021-10-29. Review status: criteria provided, single submitter. Criteria: ACMG Guidelines, 2015. Collection method: clinical testing. Allele origin: unknown.

Blueprint Genetics
Classification: Likely benign. Last evaluated: 2021-09-07. Review status: criteria provided, single submitter. Criteria: ACMG Guidelines, 2015. Collection method: clinical testing. Allele origin: germline.

NM_001458.5(FLNC):c.4000G>A (p.Ala1334Thr)

Gene: FLNC (filamin C; plus strand). Cytogenetic location: 7q32.1.
Variant type: single nucleotide variant.
Coding change: c.4000G>A on transcript NM_001458.5 (MANE Select); coding-DNA position 4000, G replaced by A.
Protein change: p.Ala1334Thr; replaces alanine 1334 with threonine.
Molecular consequence: missense variant.
Genome position (GRCh38, 1-based): chr7:128,846,336, G>A. VCF-style: chr7-128846336-G-A. GRCh37 (hg19) VCF-style: chr7-128486390-G-A.
Other names: c.4000G>A, p.Ala1334Thr (NM_001127487.2); short protein forms A1334T.
Identifiers: ClinVar variation 472055 (VCV000472055.10), dbSNP rs556477946, ClinGen allele CA4475217.